The following is an entry in ClinVar:

NM_020843.4(SCAPER):c.700A>G (p.Thr234Ala)

Gene: SCAPER (S-phase cyclin A associated protein in the ER; minus strand). Cytogenetic location: 15q24.3.
Variant type: single nucleotide variant.
Coding change: c.700A>G on transcript NM_020843.4 (MANE Select); coding-DNA position 700, A replaced by G.
Protein change: p.Thr234Ala; replaces threonine 234 with alanine.
Molecular consequence: missense variant. On other transcripts: 5 prime UTR variant (1), non-coding transcript variant (1).
Genome position (GRCh38, 1-based): chr15:76,795,352, T>C on the plus strand (A>G on the coding strand, the complement: SCAPER is on the minus strand). VCF-style: chr15-76795352-T-C. GRCh37 (hg19) VCF-style: chr15-77087693-T-C.
Other names: c.700A>G (NM_001353009.1); c.-198A>G (NM_001145923.2); c.700A>G, p.Thr234Ala (NM_001353009.2); c.298A>G, p.Thr100Ala (NM_001353010.2, NM_001353011.2, NM_001353012.2); short protein forms T100A, T234A.
Identifiers: ClinVar variation 2458546 (VCV002458546.3), dbSNP rs200632888, ClinGen allele CA7675126.
Genomic context (GRCh38, chr15:76,795,352, plus strand): 5'-AGGCCTTCTGCACTGTCATTGGTGGGCAAGACTGGGCGGGTGTTATTTCTGAAGAAGCAG[T>C]AGAGCCTGTATGATGAGCCTTTACCTTGTCAGCCCAACTGACACCTGTGGGAGCCAGACG-3'
Protein context (NP_065894.2, residues 224-244): DKVKAHHTGS[Thr234Ala]ASSEITPAQS

ClinVar aggregate classification (germline): Uncertain significance. Review status: criteria provided, multiple submitters, no conflicts (2 of 4 stars). 2 submissions from 2 submitters: Uncertain significance (2). Last evaluated 2026-03-30.

Conditions:
Inborn genetic diseases. Identifiers: MedGen C0950123, MeSH D030342.
SCAPER-related disorder. Also called: SCAPER-related condition.

Allele frequency attached by ClinVar (database versions not stated): gnomAD 0.00003; ExAC 0.00005; TOPMed 0.00006; gnomAD exomes 0.00007.
gnomAD v4.1: 106 of 1,613,322 alleles (0.0066%); highest among the groups gnomAD compares: Non-Finnish European, 0.0086%; no homozygotes.

Submissions (2):

PreventionGenetics, part of Exact Sciences
Classification: Uncertain significance for SCAPER-related condition. Last evaluated: 2026-03-30. Review status: criteria provided, single submitter. Criteria: ACMG Guidelines, 2015. Collection method: clinical testing. Allele origin: germline.
Comment: The SCAPER c.700A>G variant is predicted to result in the amino acid substitution p.Thr234Ala. To our knowledge, this variant has not been reported in the literature. This variant is reported in 0.010% of alleles in individuals of European (Non-Finnish) descent in gnomAD. At this time, the clinical significance of this variant is uncertain due to the absence of conclusive functional and genetic evidence.

Ambry Genetics
Classification: Uncertain significance for Inborn genetic diseases. Last evaluated: 2023-01-17. Review status: criteria provided, single submitter. Criteria: Ambry Variant Classification Scheme 2023. Collection method: clinical testing. Allele origin: germline.